The following is an entry in ClinVar:

ClinVar aggregate classification (germline): Uncertain significance. Review status: criteria provided, multiple submitters, no conflicts (2 of 4 stars). 2 submissions from 2 submitters: Uncertain significance (2). Last evaluated 2024-05-08.

Conditions:
Familial thoracic aortic aneurysm and aortic dissection (TAAD). Also called: Thoracic aortic aneurysms and dissections. Identifiers: Orphanet 91387, MedGen C4707243, MONDO:0019625.

Allele frequency attached by ClinVar (database versions not stated): ExAC 0.00001.

Submissions (2):

GeneDx
Classification: Uncertain significance. Last evaluated: 2024-05-08. Review status: criteria provided, single submitter. Criteria: GeneDx Variant Classification Process June 2021. Collection method: clinical testing. Allele origin: germline. Affected: yes.
Comment: Not observed at significant frequency in large population cohorts (gnomAD); In silico analysis supports that this missense variant has a deleterious effect on protein structure/function; Has not been previously published as pathogenic or benign to our knowledge

Ambry Genetics
Classification: Uncertain significance for Familial thoracic aortic aneurysm and aortic dissection. Last evaluated: 2023-10-10. Review status: criteria provided, single submitter. Criteria: Ambry Variant Classification Scheme 2023. Collection method: clinical testing. Allele origin: germline.

NM_053025.4(MYLK):c.1868C>T (p.Pro623Leu)

Gene: MYLK (myosin light chain kinase; minus strand). Cytogenetic location: 3q21.1.
Variant type: single nucleotide variant.
Coding change: c.1868C>T on transcript NM_053025.4 (MANE Select); coding-DNA position 1868, C replaced by T.
Protein change: p.Pro623Leu; replaces proline 623 with leucine.
Molecular consequence: missense variant.
Genome position (GRCh38, 1-based): chr3:123,709,830, G>A on the plus strand (C>T on the coding strand, the complement: MYLK is on the minus strand). VCF-style: chr3-123709830-G-A. GRCh37 (hg19) VCF-style: chr3-123428677-G-A.
Other names: c.1340C>T, p.Pro447Leu (NM_001321309.2); c.1661C>T, p.Pro554Leu (NM_053026.4, NM_053028.4); c.1868C>T, p.Pro623Leu (NM_053027.4); short protein forms P447L, P623L, P554L.
Identifiers: ClinVar variation 3159751 (VCV003159751.2), dbSNP rs779287040, ClinGen allele CA067725.